The following is an entry in ClinVar:

ClinVar aggregate classification (germline): Uncertain significance. Review status: criteria provided, multiple submitters, no conflicts (2 of 4 stars). 2 submissions from 2 submitters: Uncertain significance (2). Last evaluated 2023-11-01.

Conditions:
Charcot-Marie-Tooth disease type 2. Also called: Charcot-Marie-Tooth type 2. Identifiers: Orphanet 64746, MedGen C0270914, MONDO:0018993.

Allele frequency attached by ClinVar (database versions not stated): TOPMed below 0.00001.

Submissions (2):

Labcorp Genetics (formerly Invitae), Labcorp
Classification: Uncertain significance for Charcot-Marie-Tooth disease type 2. Last evaluated: 2023-11-01. Review status: criteria provided, single submitter. Criteria: Invitae Variant Classification Sherloc (09022015). Collection method: clinical testing. Allele origin: germline.
Comment: This sequence change replaces tyrosine, which is neutral and polar, with cysteine, which is neutral and slightly polar, at codon 566 of the GARS protein (p.Tyr566Cys). This variant is not present in population databases (gnomAD no frequency). This variant has not been reported in the literature in individuals affected with GARS-related conditions. ClinVar contains an entry for this variant (Variation ID: 2538524). An algorithm developed to predict the effect of missense changes on protein structure and function (PolyPhen-2) suggests that this variant is likely to be tolerated. In summary, the available evidence is currently insufficient to determine the role of this variant in disease. Therefore, it has been classified as a Variant of Uncertain Significance.

Ambry Genetics
Classification: Uncertain significance. Last evaluated: 2023-04-18. Review status: criteria provided, single submitter. Criteria: Ambry Variant Classification Scheme 2023. Collection method: clinical testing. Allele origin: germline.

NM_002047.4(GARS1):c.1697A>G (p.Tyr566Cys)

Gene: GARS1 (glycyl-tRNA synthetase 1; plus strand). Cytogenetic location: 7p14.3.
Variant type: single nucleotide variant.
Coding change: c.1697A>G on transcript NM_002047.4 (MANE Select); coding-DNA position 1697, A replaced by G.
Protein change: p.Tyr566Cys; replaces tyrosine 566 with cysteine.
Molecular consequence: missense variant.
Genome position (GRCh38, 1-based): chr7:30,626,317, A>G. VCF-style: chr7-30626317-A-G. GRCh37 (hg19) VCF-style: chr7-30665933-A-G.
Other names: c.1535A>G, p.Tyr512Cys (NM_001316772.1); short protein forms Y566C, Y512C.
Identifiers: ClinVar variation 2538524 (VCV002538524.5), dbSNP rs1468287760, ClinGen allele CA367129478.